The following is an entry in ClinVar:

NM_033100.4(CDHR1):c.1662A>G (p.Glu554=)

Gene: CDHR1 (cadherin related family member 1; plus strand). Cytogenetic location: 10q23.1.
Variant type: single nucleotide variant.
Coding change: c.1662A>G on transcript NM_033100.4 (MANE Select); coding-DNA position 1662, A replaced by G.
Protein change: p.Glu554=; no amino-acid change (glutamic acid 554 retained).
Molecular consequence: synonymous variant.
Genome position (GRCh38, 1-based): chr10:84,212,287, A>G. VCF-style: chr10-84212287-A-G. GRCh37 (hg19) VCF-style: chr10-85972043-A-G.
Other names: c.1662A>G, p.Glu554= (NM_001171971.3).
Identifiers: ClinVar variation 262210 (VCV000262210.23), dbSNP rs10749482, ClinGen allele CA5580014.

ClinVar aggregate classification (germline): Benign. Review status: criteria provided, multiple submitters, no conflicts (2 of 4 stars). 7 submissions from 7 submitters: Benign (5). 2 of the submissions do not count toward it. Last evaluated 2026-02-03.

Conditions:
Cone-rod dystrophy 15 (CORD15). Identifiers: MedGen C3150912, MONDO:0013348, OMIM 613660.

Allele frequency attached by ClinVar (database versions not stated): ExAC 0.35573; gnomAD 0.41821 and 0.42520; gnomAD exomes 0.30921 and 0.35294; ESP Exome Variant Server 0.41835; 1000 Genomes Project 30x 0.43317; TOPMed 0.43174; 1000 Genomes Project 0.42911.
gnomAD v4.1: 516,234 of 1,613,930 alleles (32%); highest among the groups gnomAD compares: African/African-American, 69%; 89,838 homozygotes.

Submissions (7):

Labcorp Genetics (formerly Invitae), Labcorp
Classification: Benign. Last evaluated: 2026-02-03. Review status: criteria provided, single submitter. Criteria: Invitae Variant Classification Sherloc (09022015). Collection method: clinical testing. Allele origin: germline.

Genome-Nilou Lab
Classification: Benign for Cone-rod dystrophy 15. Last evaluated: 2021-07-14. Review status: criteria provided, single submitter. Criteria: ACMG Guidelines, 2015. Collection method: clinical testing. Allele origin: germline. Affected: no.

GeneDx
Classification: Benign. Last evaluated: 2018-04-26. Review status: criteria provided, single submitter. Criteria: GeneDx Variant Classification (06012015). Collection method: clinical testing. Allele origin: germline. Affected: yes.
Comment: This variant is considered likely benign or benign based on one or more of the following criteria: it is a conservative change, it occurs at a poorly conserved position in the protein, it is predicted to be benign by multiple in silico algorithms, and/or has population frequency not consistent with disease.

Breakthrough Genomics
Classification: Benign. Review status: criteria provided, single submitter. Criteria: ACMG Guidelines, 2015. Collection method: not provided. Allele origin: germline. Inheritance: Autosomal recessive inheritance. Affected: yes.

PreventionGenetics, part of Exact Sciences
Classification: Benign. Review status: criteria provided, single submitter. Criteria: ACMG Guidelines, 2015. Collection method: clinical testing. Allele origin: germline.

Diagnostic Laboratory, Department of Genetics, University Medical Center Groningen
Classification: Benign. Review status: no assertion criteria provided. Collection method: clinical testing. Allele origin: germline. Affected: yes. Study: VKGL Data-share Consensus. Not counted in ClinVar's aggregate classification.

Joint Genome Diagnostic Labs from Nijmegen and Maastricht, Radboudumc and MUMC+
Classification: Benign. Review status: no assertion criteria provided. Collection method: clinical testing. Allele origin: germline. Affected: yes. Study: VKGL Data-share Consensus. Not counted in ClinVar's aggregate classification.